The following is an entry in ClinVar:

ClinVar aggregate classification (germline): Uncertain significance. Review status: criteria provided, multiple submitters, no conflicts (2 of 4 stars). 2 submissions from 2 submitters: Uncertain significance (2). Last evaluated 2024-02-12.

Conditions:
Cholestasis, progressive familial intrahepatic, 10 (PFIC10). Identifiers: MedGen C5676981, MONDO:0030810, OMIM 619868.
Congenital microvillous atrophy (DIAR2). Also called: CONGENITAL FAMILIAL PROTRACTED DIARRHEA WITH ENTEROCYTE BRUSH-BORDER ABNORMALITIES; DAVIDSON DISEASE; Microvillus inclusion disease; MICROVILLUS ATROPHY, CONGENITAL; Diarrhea 2 with microvillus atrophy, with or without cholestasis. Identifiers: Orphanet 2290, MedGen C0341306, MONDO:0009635, OMIM 251850.

Allele frequency attached by ClinVar (database versions not stated): gnomAD exomes 0.00001; TOPMed 0.00001.
gnomAD v4.1: 4 of 1,613,184 alleles (0.00025%); highest among the groups gnomAD compares: Admixed American, 0.0033%; no homozygotes.

Submissions (2):

Labcorp Genetics (formerly Invitae), Labcorp
Classification: Uncertain significance. Last evaluated: 2024-02-12. Review status: criteria provided, single submitter. Criteria: Invitae Variant Classification Sherloc (09022015). Collection method: clinical testing. Allele origin: germline.
Comment: This sequence change replaces phenylalanine, which is neutral and non-polar, with serine, which is neutral and polar, at codon 442 of the MYO5B protein (p.Phe442Ser). This variant is present in population databases (no rsID available, gnomAD 0.003%). This variant has not been reported in the literature in individuals affected with MYO5B-related conditions. ClinVar contains an entry for this variant (Variation ID: 1436086). An algorithm developed to predict the effect of missense changes on protein structure and function (PolyPhen-2) suggests that this variant is likely to be disruptive. In summary, the available evidence is currently insufficient to determine the role of this variant in disease. Therefore, it has been classified as a Variant of Uncertain Significance.

Fulgent Genetics
Classification: Uncertain significance for Congenital microvillous atrophy; Cholestasis, progressive familial intrahepatic, 10. Last evaluated: 2022-02-03. Review status: criteria provided, single submitter. Criteria: ACMG Guidelines, 2015. Collection method: clinical testing. Allele origin: unknown.

NM_001080467.3(MYO5B):c.1325T>C (p.Phe442Ser)

Gene: MYO5B (myosin VB; minus strand). Cytogenetic location: 18q21.1.
Variant type: single nucleotide variant.
Coding change: c.1325T>C on transcript NM_001080467.3 (MANE Select); coding-DNA position 1325, T replaced by C.
Protein change: p.Phe442Ser; replaces phenylalanine 442 with serine.
Molecular consequence: missense variant.
Genome position (GRCh38, 1-based): chr18:49,963,028, A>G on the plus strand (T>C on the coding strand, the complement: MYO5B is on the minus strand). VCF-style: chr18-49963028-A-G. GRCh37 (hg19) VCF-style: chr18-47489398-A-G.
Other names: short protein forms F442S.
Identifiers: ClinVar variation 1436086 (VCV001436086.7), dbSNP rs1315323909, ClinGen allele CA402430529.